The following is an entry in ClinVar:

ClinVar aggregate classification (germline): Pathogenic/Likely pathogenic. Review status: criteria provided, multiple submitters, no conflicts (2 of 4 stars). 2 submissions from 2 submitters: Pathogenic (1); Likely pathogenic (1). Last evaluated 2024-01-05.

Conditions:
GUCY2D-related disorders.
Leber congenital amaurosis 1 (LCA1). Also called: Congenital absence of the rods and cones; Leber's congenital tapetoretinal degeneration; Leber's congenital tapetoretinal dysplasia; RETINAL BLINDNESS, CONGENITAL; AMAUROSIS CONGENITA OF LEBER I. Identifiers: Orphanet 65, MedGen C2931258, MONDO:0008764, OMIM 204000.
Cone-rod dystrophy 6 (CORD6). Also called: Cone dystrophy progressive; RETINAL CONE DYSTROPHY 2. Identifiers: Orphanet 1872, MedGen C1866293, MONDO:0011143, OMIM 601777.

Allele frequency attached by ClinVar (database versions not stated): ExAC 0.00001; gnomAD 0.00001; TOPMed 0.00001.

Submissions (2):

Labcorp Genetics (formerly Invitae), Labcorp
Classification: Likely pathogenic for Leber congenital amaurosis 1; Cone-rod dystrophy 6. Last evaluated: 2024-01-05. Review status: criteria provided, single submitter. Criteria: Invitae Variant Classification Sherloc (09022015). Collection method: clinical testing. Allele origin: germline.
Comment: This sequence change affects a donor splice site in intron 13 of the GUCY2D gene. It is expected to disrupt RNA splicing. Variants that disrupt the donor or acceptor splice site typically lead to a loss of protein function (PMID: 16199547), and loss-of-function variants in GUCY2D are known to be pathogenic (PMID: 10951519, 11328726). This variant is present in population databases (rs772444228, gnomAD 0.0009%). Disruption of this splice site has been observed in individual(s) with Leber congenital amaurosis (PMID: 17964524, 34048777). Algorithms developed to predict the effect of sequence changes on RNA splicing suggest that this variant may disrupt the consensus splice site. In summary, the currently available evidence indicates that the variant is pathogenic, but additional data are needed to prove that conclusively. Therefore, this variant has been classified as Likely Pathogenic.

Blueprint Genetics
Classification: Pathogenic for GUCY2D-related disorders. Last evaluated: 2023-09-20. Review status: criteria provided, single submitter. Criteria: ACMG Guidelines, 2015. Collection method: clinical testing. Allele origin: germline. Affected: yes. Observed: 2 variant alleles.

Literature cited by the submitters: PubMed 16199547 (cited by Labcorp Genetics (formerly Invitae), Labcorp); PubMed 10951519 (cited by Labcorp Genetics (formerly Invitae), Labcorp); PubMed 11328726 (cited by Labcorp Genetics (formerly Invitae), Labcorp); PubMed 17964524 (cited by Labcorp Genetics (formerly Invitae), Labcorp); PubMed 34048777 (cited by Labcorp Genetics (formerly Invitae), Labcorp).

NM_000180.4(GUCY2D):c.2576+1G>A

Gene: GUCY2D (guanylate cyclase 2D, retinal; plus strand). Cytogenetic location: 17p13.1.
Variant type: single nucleotide variant.
Coding change: c.2576+1G>A on transcript NM_000180.4 (MANE Select); the canonical splice donor site of the intron after coding-DNA position 2576, G replaced by A.
Molecular consequence: splice donor variant.
Genome position (GRCh38, 1-based): chr17:8,014,765, G>A. VCF-style: chr17-8014765-G-A. GRCh37 (hg19) VCF-style: chr17-7918083-G-A.
Identifiers: ClinVar variation 2925607 (VCV002925607.4), dbSNP rs772444228, ClinGen allele CA8366158.